The following is an entry in ClinVar:

NM_001105247.2(ARMC5):c.2291G>A (p.Arg764Gln)

Gene: ARMC5 (armadillo repeat containing 5; plus strand). Cytogenetic location: 16p11.2.
Variant type: single nucleotide variant.
Coding change: c.2291G>A on transcript NM_001105247.2 (MANE Select); coding-DNA position 2291, G replaced by A.
Protein change: p.Arg764Gln; replaces arginine 764 with glutamine.
Molecular consequence: missense variant. On other transcripts: 3 prime UTR variant (1).
Genome position (GRCh38, 1-based): chr16:31,466,372, G>A. VCF-style: chr16-31466372-G-A. GRCh37 (hg19) VCF-style: chr16-31477693-G-A.
Other names: c.2576G>A, p.Arg859Gln (NM_001288767.2); c.2387G>A, p.Arg796Gln (NM_001301820.1); c.*1171G>A (NM_024742.2); short protein forms R764Q, R796Q, R859Q.
Identifiers: ClinVar variation 4281136 (VCV004281136.7).
Genomic context (GRCh38, chr16:31,466,372, plus strand): 5'-CTGTCCCAGCTCCCGACCTGCACTTCCTGCTGGACTCAGGCCTCCAGCTCCCTGCCCAGC[G>A]AGCGGCCTCAGCCACCGCCTCCCCTTTCTTCCGGGCCCTGCTGTCAGGCAGCTTTGCAGA-3'
Protein context (NP_001098717.1, residues 754-774): LDSGLQLPAQ[Arg764Gln]AASATASPFF

ClinVar aggregate classification (germline): Uncertain significance (1 of 4 stars; one submission).

gnomAD v4.1: 6 of 1,612,924 alleles (0.00037%); highest among the groups gnomAD compares: South Asian, 0.0022%; no homozygotes.

Submission:

CeGaT Center for Human Genetics Tuebingen
Classification: Uncertain significance. Last evaluated: 2025-09-01. Review status: criteria provided, single submitter. Criteria: CeGaT Center For Human Genetics Tuebingen Variant Classification Criteria Version 2. Collection method: clinical testing. Allele origin: germline. Affected: yes. Observed: 1 variant allele.
Comment: ARMC5: PM2